The following is an entry in ClinVar:

ClinVar aggregate classification (germline): Conflicting classifications of pathogenicity. Review status: criteria provided, conflicting classifications (1 of 4 stars). 3 submissions from 3 submitters: Uncertain significance (1); Likely benign (1). 1 of the submissions does not count toward it. Last evaluated 2024-07-17.

Conditions:
ATP7B-related disorder. Also called: ATP7B-related condition.
Wilson disease (WND). Also called: Wilson's disease. Identifiers: Orphanet 905, MedGen C0019202, MONDO:0010200, OMIM 277900. Disease mechanism: loss of function.

Submissions (3):

Labcorp Genetics (formerly Invitae), Labcorp
Classification: Likely benign for Wilson disease. Last evaluated: 2024-07-17. Review status: criteria provided, single submitter. Criteria: Invitae Variant Classification Sherloc (09022015). Collection method: clinical testing. Allele origin: germline.

Color Diagnostics, LLC DBA Color Health
Classification: Uncertain significance for Wilson disease. Last evaluated: 2022-09-22. Review status: criteria provided, single submitter. Criteria: ACMG Guidelines, 2015. Collection method: clinical testing. Allele origin: germline.
Comment: This variant causes the duplication of 1 nucleotide at position -7 in intron 15 of the ATP7B gene. Splice site prediction tools are inconclusive regarding the impact of this variant on RNA splicing. To our knowledge, functional studies have not been reported for this variant. This variant has not been reported in individuals affected with Wilson disease in the literature. This variant has been identified in 1/249584 chromosomes in the general population by the Genome Aggregation Database (gnomAD). The available evidence is insufficient to determine the role of this variant in disease conclusively. Therefore, this variant is classified as a Variant of Uncertain Significance.

PreventionGenetics, part of Exact Sciences
Classification: Likely benign for ATP7B-related condition. Last evaluated: 2024-04-19. Review status: no assertion criteria provided. Collection method: clinical testing. Allele origin: germline. Not counted in ClinVar's aggregate classification.
Comment: This variant is classified as likely benign based on ACMG/AMP sequence variant interpretation guidelines (Richards et al. 2015 PMID: 25741868, with internal and published modifications).

NM_000053.4(ATP7B):c.3413-10dup

Gene: ATP7B (ATPase copper transporting beta; minus strand). Cytogenetic location: 13q14.3.
Variant type: Duplication.
Coding change: c.3413-10dup on transcript NM_000053.4 (MANE Select); 10 bases into the intron before coding-DNA position 3413, one base duplicated (T; older notation c.3413-10dupT).
Molecular consequence: intron variant.
Genome position (GRCh38, 1-based): chr13:51,941,231, A duplicated on the plus strand (T on the coding strand, the reverse complement: ATP7B is on the minus strand); the first of 4 consecutive A bases (chr13:51,941,231-51,941,234); duplicating any one gives the same sequence. VCF-style (leftmost placement, unchanged base first): chr13-51941230-C-CA. GRCh37 (hg19) VCF-style: chr13-52515366-C-CA.
Other names: c.3080-10dup (NM_001243182.2); c.2792-10dup (NM_001005918.3); c.3161-10dup (NM_001330579.2); c.3179-10dup (NM_001330578.2); c.3413-7dup (NM_000053.4).
Identifiers: ClinVar variation 1112226 (VCV001112226.10), dbSNP rs774844173, ClinGen allele CA6988694.
Genomic context (GRCh38, chr13:51,941,230, plus strand): 5'-CGCCTCAGCCACTCACGGTTTCCAATCAGCACAGAGAAGGTCTGGGGGACTGCATCTATT[C>CA]AAAAGAGGCTGTGGTTATTTCTAAATGGTCCAATTTCACTGTGAACTAAAAACCATGCAA-3'